The following is an entry in ClinVar:

NM_001211.6(BUB1B):c.1143G>T (p.Arg381Ser)

Gene: BUB1B (BUB1 mitotic checkpoint serine/threonine kinase B; plus strand). Cytogenetic location: 15q15.1.
Variant type: single nucleotide variant.
Coding change: c.1143G>T on transcript NM_001211.6 (MANE Select); coding-DNA position 1143, G replaced by T.
Protein change: p.Arg381Ser; replaces arginine 381 with serine.
Molecular consequence: missense variant.
Genome position (GRCh38, 1-based): chr15:40,196,629, G>T. VCF-style: chr15-40196629-G-T. GRCh37 (hg19) VCF-style: chr15-40488830-G-T.
Other names: short protein forms R381S.
Identifiers: ClinVar variation 3221331 (VCV003221331.1), dbSNP rs2037501052, ClinGen allele CA391687165.

ClinVar aggregate classification (germline): Uncertain significance (1 of 4 stars; one submission).

Conditions:
Inborn genetic diseases. Identifiers: MedGen C0950123, MeSH D030342.

Submission:

Ambry Genetics
Classification: Uncertain significance for Inborn genetic diseases. Last evaluated: 2023-12-31. Review status: criteria provided, single submitter. Criteria: Ambry Variant Classification Scheme 2023. Collection method: clinical testing. Allele origin: germline.
Comment: The p.R381S variant (also known as c.1143G>T), located in coding exon 9 of the BUB1B gene, results from a G to T substitution at nucleotide position 1143. The arginine at codon 381 is replaced by serine, an amino acid with dissimilar properties. This amino acid position is conserved. In addition, the in silico prediction for this alteration is inconclusive. Since supporting evidence is limited at this time, the clinical significance of this alteration remains unclear.